The following is an entry in ClinVar:

ClinVar aggregate classification (germline): Pathogenic (1 of 4 stars; one submission).

Conditions:
Vici syndrome (VICIS). Identifiers: Orphanet 1493, MedGen C1855772, MONDO:0009452, OMIM 242840.

Submission:

Labcorp Genetics (formerly Invitae), Labcorp
Classification: Pathogenic for Vici syndrome. Last evaluated: 2024-11-05. Review status: criteria provided, single submitter. Criteria: Invitae Variant Classification Sherloc (09022015). Collection method: clinical testing. Allele origin: germline.
Comment: This sequence change creates a premature translational stop signal (p.Trp1294Cysfs*10) in the EPG5 gene. It is expected to result in an absent or disrupted protein product. Loss-of-function variants in EPG5 are known to be pathogenic (PMID: 23222957, 23674064). This variant is not present in population databases (gnomAD no frequency). This variant has not been reported in the literature in individuals affected with EPG5-related conditions. ClinVar contains an entry for this variant (Variation ID: 2095515). For these reasons, this variant has been classified as Pathogenic.

Literature cited by the submitters: PubMed 23222957; PubMed 23674064.

NM_020964.3(EPG5):c.3882_3883del (p.Trp1294fs)

Gene: EPG5 (ectopic P-granules 5 autophagy tethering factor; minus strand). Cytogenetic location: 18q21.1.
Variant type: Deletion.
Coding change: c.3882_3883del on transcript NM_020964.3 (MANE Select); coding-DNA positions 3882 to 3883, 2 bases deleted (GG; older notation c.3882_3883delGG).
Protein change: p.Trp1294fs; shifts the reading frame from tryptophan 1294.
Molecular consequence: frameshift variant.
Genome position (GRCh38, 1-based): chr18:45,912,390-45,912,391, CC deleted on the plus strand (GG on the coding strand, the reverse complement: EPG5 is on the minus strand); deleting any 2 consecutive bases within chr18:45,912,390-45,912,392 gives the same sequence; the c. name uses the placement nearest the transcript's 3' end. VCF-style (leftmost placement, unchanged base first): chr18-45912389-GCC-G. GRCh37 (hg19) VCF-style: chr18-43492354-GCC-G.
Other names: c.3881_3882delGG, p.Trp1294Cysfs (NM_001410858.1, NM_001410859.1); short protein forms W1294fs.
Identifiers: ClinVar variation 2095515 (VCV002095515.4), dbSNP rs2511794481, ClinGen allele CA2580095768.
Genomic context (GRCh38, chr18:45,912,389, plus strand): 5'-AACTTCTGCCAAATGAGTGGCAGGAGGGGGTGATCAGAAGGTGTGACCAGAGCCTGGTGG[GCC>G]CAGCGATAAATCAGCAGCCTCTGGAGGGATGGCACGATGGGGAGCTTCAGCTGGGTCTGG-3'